The following is an entry in ClinVar:

NM_006017.3(PROM1):c.1042G>A (p.Val348Ile)

Gene: PROM1 (prominin 1; minus strand). Cytogenetic location: 4p15.32.
Variant type: single nucleotide variant.
Coding change: c.1042G>A on transcript NM_006017.3 (MANE Select); coding-DNA position 1042, G replaced by A.
Protein change: p.Val348Ile; replaces valine 348 with isoleucine.
Molecular consequence: missense variant.
Genome position (GRCh38, 1-based): chr4:16,016,201, C>T on the plus strand (G>A on the coding strand, the complement: PROM1 is on the minus strand). VCF-style: chr4-16016201-C-T. GRCh37 (hg19) VCF-style: chr4-16017824-C-T.
Other names: c.1015G>A, p.Val339Ile (NM_001145847.2, NM_001145848.2, NM_001145851.2 and 4 more transcripts); c.1042G>A, p.Val348Ile (NM_001145849.2, NM_001145850.2); c.1042G>A (NM_006017.2); short protein forms V339I, V348I.
Identifiers: ClinVar variation 1521737 (VCV001521737.8), dbSNP rs542468979, ClinGen allele CA2866885.
Genomic context (GRCh38, chr4:16,016,201, plus strand): 5'-GATTGTATTTTTTCCAAAAGCATACCTGTTGGACCAGGCCATCCAAATCTGTCCTAAGAA[C>T]GTTATTAACGTTGTCAAGTTCTGCATCCACGGGTGGAAGCTGAAAATTTATAAAACAAAA-3'
Protein context (NP_006008.1, residues 338-358): VDAELDNVNN[Val348Ile]LRTDLDGLVQ

ClinVar aggregate classification (germline): Conflicting classifications of pathogenicity. Review status: criteria provided, conflicting classifications (1 of 4 stars). 3 submissions from 3 submitters: Uncertain significance (2); Likely benign (1). Last evaluated 2024-01-24.

Conditions:
Inborn genetic diseases. Identifiers: MedGen C0950123, MeSH D030342.

Allele frequency attached by ClinVar (database versions not stated): gnomAD 0.00001 and 0.00004; gnomAD exomes 0.00002 and 0.00006; TOPMed 0.00002; ExAC 0.00026; 1000 Genomes Project 0.00060; 1000 Genomes Project 30x 0.00062.
gnomAD v4.1: 29 of 1,554,442 alleles (0.0019%); highest among the groups gnomAD compares: South Asian, 0.021%; no homozygotes.

Submissions (3):

Labcorp Genetics (formerly Invitae), Labcorp
Classification: Uncertain significance. Last evaluated: 2024-01-24. Review status: criteria provided, single submitter. Criteria: Invitae Variant Classification Sherloc (09022015). Collection method: clinical testing. Allele origin: germline.
Comment: This sequence change replaces valine, which is neutral and non-polar, with isoleucine, which is neutral and non-polar, at codon 348 of the PROM1 protein (p.Val348Ile). This variant is present in population databases (rs542468979, gnomAD 0.04%). This missense change has been observed in individual(s) with clinical features of PROM1-related conditions (Invitae). ClinVar contains an entry for this variant (Variation ID: 1521737). Advanced modeling of protein sequence and biophysical properties (such as structural, functional, and spatial information, amino acid conservation, physicochemical variation, residue mobility, and thermodynamic stability) performed at Invitae indicates that this missense variant is not expected to disrupt PROM1 protein function with a negative predictive value of 80%. In summary, the available evidence is currently insufficient to determine the role of this variant in disease. Therefore, it has been classified as a Variant of Uncertain Significance.

Ambry Genetics
Classification: Likely benign for Inborn genetic diseases. Last evaluated: 2022-08-02. Review status: criteria provided, single submitter. Criteria: Ambry Variant Classification Scheme 2023. Collection method: clinical testing. Allele origin: germline.

Blueprint Genetics
Classification: Uncertain significance. Last evaluated: 2021-02-02. Review status: criteria provided, single submitter. Criteria: ACMG Guidelines, 2015. Collection method: clinical testing. Allele origin: germline.